The following is an entry in ClinVar:

ClinVar aggregate classification (germline): Conflicting classifications of pathogenicity. Review status: criteria provided, conflicting classifications (1 of 4 stars). 7 submissions from 7 submitters: Uncertain significance (6); Likely benign (1). Last evaluated 2026-06-08.

Conditions:
ADGRV1-related disorder. Also called: ADGRV1-related condition; ADGRV1-related disorders.
Inborn genetic diseases. Identifiers: MedGen C0950123, MeSH D030342.

Allele frequency attached by ClinVar (database versions not stated): ESP Exome Variant Server 0.00008; ExAC 0.00010; gnomAD exomes 0.00011 and 0.00023; TOPMed 0.00013; gnomAD 0.00017 and 0.00019.
gnomAD v4.1: 368 of 1,612,880 alleles (0.023%); highest among the groups gnomAD compares: Non-Finnish European, 0.028%; no homozygotes.

Submissions (7):

PreventionGenetics, part of Exact Sciences
Classification: Uncertain significance for ADGRV1-related condition. Last evaluated: 2026-06-08. Review status: criteria provided, single submitter. Criteria: ACMG Guidelines, 2015. Collection method: clinical testing. Allele origin: germline.
Comment: The ADGRV1 c.10697T>C variant is predicted to result in the amino acid substitution p.Ile3566Thr. To our knowledge, this variant has not been reported in the literature. This variant is reported in 0.020% of alleles in individuals of European (Non-Finnish) descent in gnomAD. At this time, the clinical significance of this variant is uncertain due to the absence of conclusive functional and genetic evidence.

Labcorp Genetics (formerly Invitae), Labcorp
Classification: Likely benign. Last evaluated: 2026-01-13. Review status: criteria provided, single submitter. Criteria: Invitae Variant Classification Sherloc (09022015). Collection method: clinical testing. Allele origin: germline.

GeneDx
Classification: Uncertain significance. Last evaluated: 2024-10-24. Review status: criteria provided, single submitter. Criteria: GeneDx Variant Classification Process June 2021. Collection method: clinical testing. Allele origin: germline. Affected: yes.
Comment: In silico analysis supports that this missense variant has a deleterious effect on protein structure/function; Has not been previously published as pathogenic or benign to our knowledge

Blueprint Genetics
Classification: Uncertain significance. Last evaluated: 2023-07-28. Review status: criteria provided, single submitter. Criteria: ACMG Guidelines, 2015. Collection method: clinical testing. Allele origin: germline.

Ambry Genetics
Classification: Uncertain significance for Inborn genetic diseases. Last evaluated: 2022-06-03. Review status: criteria provided, single submitter. Criteria: Ambry Variant Classification Scheme 2023. Collection method: clinical testing. Allele origin: germline.

Eurofins Ntd Llc (ga)
Classification: Uncertain significance. Last evaluated: 2017-02-27. Review status: criteria provided, single submitter. Criteria: EGL Classification Definitions 2015. Collection method: clinical testing. Allele origin: germline. Observed: 1 variant allele, 1 heterozygote.

Genetic Services Laboratory, University of Chicago
Classification: Uncertain significance. Last evaluated: 2014-10-30. Review status: criteria provided, single submitter. Criteria: ACMG Guidelines, 2015. Collection method: clinical testing. Allele origin: germline.

NM_032119.4(ADGRV1):c.10697T>C (p.Ile3566Thr)

Gene: ADGRV1 (adhesion G protein-coupled receptor V1; plus strand). Cytogenetic location: 5q14.3.
Variant type: single nucleotide variant.
Coding change: c.10697T>C on transcript NM_032119.4 (MANE Select); coding-DNA position 10697, T replaced by C.
Protein change: p.Ile3566Thr; replaces isoleucine 3566 with threonine.
Molecular consequence: missense variant. On other transcripts: non-coding transcript variant (1).
Genome position (GRCh38, 1-based): chr5:90,745,193, T>C. VCF-style: chr5-90745193-T-C. GRCh37 (hg19) VCF-style: chr5-90041010-T-C.
Other names: short protein forms I3566T.
Identifiers: ClinVar variation 211097 (VCV000211097.22), dbSNP rs201483312, ClinGen allele CA208796.